The following is an entry in ClinVar:

ClinVar aggregate classification (germline): Uncertain significance (1 of 4 stars; one submission).

Allele frequency attached by ClinVar (database versions not stated): gnomAD exomes below 0.00001.
gnomAD v4.1: 3 of 1,613,990 alleles (0.00019%); highest among the groups gnomAD compares: Non-Finnish European, 0.00025%; no homozygotes.

Submission:

Labcorp Genetics (formerly Invitae), Labcorp
Classification: Uncertain significance. Last evaluated: 2022-05-23. Review status: criteria provided, single submitter. Criteria: Invitae Variant Classification Sherloc (09022015). Collection method: clinical testing. Allele origin: germline.
Comment: In summary, the available evidence is currently insufficient to determine the role of this variant in disease. Therefore, it has been classified as a Variant of Uncertain Significance. Algorithms developed to predict the effect of missense changes on protein structure and function (SIFT, PolyPhen-2, Align-GVGD) all suggest that this variant is likely to be tolerated. This variant has not been reported in the literature in individuals affected with UQCRC2-related conditions. This variant is not present in population databases (gnomAD no frequency). This sequence change replaces glycine, which is neutral and non-polar, with arginine, which is basic and polar, at codon 381 of the UQCRC2 protein (p.Gly381Arg).

NM_003366.4(UQCRC2):c.1141G>A (p.Gly381Arg)

Genes: UQCRC2 (ubiquinol-cytochrome c reductase core protein 2), PDZD9 (PDZ domain containing 9). Cytogenetic location: 16p12.2.
Variant type: single nucleotide variant.
Coding change: c.1141G>A on transcript NM_003366.4 (MANE Select); coding-DNA position 1141, G replaced by A.
Protein change: p.Gly381Arg; replaces glycine 381 with arginine.
Molecular consequence: missense variant.
Genome position (GRCh38, 1-based): chr16:21,980,563, G>A. VCF-style: chr16-21980563-G-A. GRCh37 (hg19) VCF-style: chr16-21991884-G-A.
Other names: short protein forms G381R.
Identifiers: ClinVar variation 1994628 (VCV001994628.4), dbSNP rs2507424425, ClinGen allele CA395255614.